The following is an entry in ClinVar:

ClinVar aggregate classification (germline): Likely pathogenic (1 of 4 stars; one submission).

Conditions:
Cholestanol storage disease (CTX). Also called: Cerebrotendinous Xanthomatosis; CTX: Cerebrotendinous xanthomatosis; CEREBRAL CHOLESTERINOSIS. Identifiers: Orphanet 909, MedGen C0238052, MONDO:0008948, OMIM 213700.

Submission:

Natera, Inc.
Classification: Likely pathogenic for Cerebrotendinous xanthomatosis. Last evaluated: 2026-01-16. Review status: criteria provided, single submitter. Criteria: Natera Variant Classification Schema (03/2026). Collection method: clinical testing. Allele origin: germline.
Comment: The c.1477-2A>G variant in CYP27A1 is a canonical splice acceptor site variant predicted to affect pre-mRNA splicing, which may result in an abnormal transcript and altered protein product. This variant may result in a truncated or dysfunctional protein product. This variant is rare in the general population with a frequency below the threshold expected for the associated phenotype(s). Another variant at this same site results in an alteration predicted to cause a similar molecular effect has been observed in individual(s) with the associated phenotype. Given the available evidence, this variant is classified as Likely Pathogenic.

NM_000784.4(CYP27A1):c.1477-2A>G

Gene: CYP27A1 (cytochrome P450 family 27 subfamily A member 1; plus strand). Cytogenetic location: 2q35.
Variant type: single nucleotide variant.
Coding change: c.1477-2A>G on transcript NM_000784.4 (MANE Select); the canonical splice acceptor site of the intron before coding-DNA position 1477, A replaced by G.
Molecular consequence: splice acceptor variant.
Genome position (GRCh38, 1-based): chr2:218,814,909, A>G. VCF-style: chr2-218814909-A-G. GRCh37 (hg19) VCF-style: chr2-219679632-A-G.
Identifiers: ClinVar variation 4814477 (VCV004814477.1).